The following is an entry in ClinVar:

NM_006265.3(RAD21):c.753A>C (p.Ala251=)

Gene: RAD21 (RAD21 cohesin complex component; minus strand). Cytogenetic location: 8q24.11.
Variant type: single nucleotide variant.
Coding change: c.753A>C on transcript NM_006265.3 (MANE Select); coding-DNA position 753, A replaced by C.
Protein change: p.Ala251=; no amino-acid change (alanine 251 retained).
Molecular consequence: synonymous variant.
Genome position (GRCh38, 1-based): chr8:116,856,707, T>G on the plus strand (A>C on the coding strand, the complement: RAD21 is on the minus strand). VCF-style: chr8-116856707-T-G. GRCh37 (hg19) VCF-style: chr8-117868946-T-G.
Identifiers: ClinVar variation 1695235 (VCV001695235.31), dbSNP rs746567845, ClinGen allele CA4853012.

ClinVar aggregate classification (germline): Likely benign (1 of 4 stars; one submission).

Allele frequency attached by ClinVar (database versions not stated): ExAC 0.00001; gnomAD 0.00001.
gnomAD v4.1: 1 of 1,591,978 alleles (0.000063%); highest among the groups gnomAD compares: Non-Finnish European, 0.000086%; no homozygotes.

Submission:

CeGaT Center for Human Genetics Tuebingen
Classification: Likely benign. Last evaluated: 2022-05-01. Review status: criteria provided, single submitter. Criteria: CeGaT Center For Human Genetics Tuebingen Variant Classification Criteria Version 2. Collection method: clinical testing. Allele origin: germline. Affected: yes. Observed: 1 variant allele.
Comment: RAD21: BP4, BP7